The following is an entry in ClinVar:

ClinVar aggregate classification (germline): Uncertain significance (1 of 4 stars; one submission).

Conditions:
Familial thoracic aortic aneurysm and aortic dissection (TAAD). Also called: Thoracic aortic aneurysms and dissections. Identifiers: Orphanet 91387, MedGen C4707243, MONDO:0019625.

Submission:

Ambry Genetics
Classification: Uncertain significance for Familial thoracic aortic aneurysm and aortic dissection. Last evaluated: 2018-05-31. Review status: criteria provided, single submitter. Criteria: Ambry Variant Classification Scheme 2023. Collection method: clinical testing. Allele origin: germline.
Comment: The p.H787R variant (also known as c.2360A>G), located in coding exon 15 of the FLNA gene, results from an A to G substitution at nucleotide position 2360. The histidine at codon 787 is replaced by arginine, an amino acid with highly similar properties. This amino acid position is not well conserved in available vertebrate species. In addition, this alteration is predicted to be tolerated by in silico analysis. Since supporting evidence is limited at this time, the clinical significance of this alteration remains unclear.

NM_001110556.2(FLNA):c.2360A>G (p.His787Arg)

Gene: FLNA (filamin A; minus strand). Cytogenetic location: Xq28.
Variant type: single nucleotide variant.
Coding change: c.2360A>G on transcript NM_001110556.2 (MANE Select); coding-DNA position 2360, A replaced by G.
Protein change: p.His787Arg; replaces histidine 787 with arginine.
Molecular consequence: missense variant.
Genome position (GRCh38, 1-based): chrX:154,362,705, T>C on the plus strand (A>G on the coding strand, the complement: FLNA is on the minus strand). VCF-style: chrX-154362705-T-C. GRCh37 (hg19) VCF-style: chrX-153591073-T-C.
Other names: c.2360A>G, p.His787Arg (NM_001456.4); short protein forms H787R.
Identifiers: ClinVar variation 1790152 (VCV001790152.2), dbSNP rs2522749616, ClinGen allele CA415237350.
Genomic context (GRCh38, chrX:154,362,705, plus strand): 5'-CACAGCCAGGCCTTACCCTGGCCAGCCTCGGCGCAGTCCACAGTGAAGTAGGTGGGCTCG[T>C]GGGCCTTGAGCCCTGTCTTGGCTACTCCGGGGCCGTATACTTTGACCTTGTTGGGGTGGC-3'
Protein context (NP_001104026.1, residues 777-797): PGVAKTGLKA[His787Arg]EPTYFTVDCA